The following is an entry in ClinVar:

ClinVar aggregate classification (germline): Uncertain significance. Review status: criteria provided, multiple submitters, no conflicts (2 of 4 stars). 3 submissions from 3 submitters: Uncertain significance (3). Last evaluated 2024-10-08.

Conditions:
Inborn genetic diseases. Identifiers: MedGen C0950123, MeSH D030342.
Fanconi anemia (FA). Also called: Fanconi's anemia. Identifiers: Orphanet 84, MedGen C0015625, MeSH D005199, MONDO:0019391.

Allele frequency attached by ClinVar (database versions not stated): TOPMed below 0.00001; gnomAD exomes 0.00001; ExAC 0.00002; gnomAD 0.00002.
gnomAD v4.1: 13 of 1,398,948 alleles (0.00093%); highest among the groups gnomAD compares: African/African-American, 0.0071%; no homozygotes.

Submissions (3):

GeneDx
Classification: Uncertain significance. Last evaluated: 2024-10-08. Review status: criteria provided, single submitter. Criteria: GeneDx Variant Classification Process June 2021. Collection method: clinical testing. Allele origin: germline.
Comment: Not observed at significant frequency in large population cohorts (gnomAD); In silico analysis supports that this missense variant has a deleterious effect on protein structure/function; Has not been previously published as pathogenic or benign to our knowledge

Labcorp Genetics (formerly Invitae), Labcorp
Classification: Uncertain significance for Fanconi anemia. Last evaluated: 2023-07-29. Review status: criteria provided, single submitter. Criteria: Invitae Variant Classification Sherloc (09022015). Collection method: clinical testing. Allele origin: germline.
Comment: This sequence change replaces serine, which is neutral and polar, with leucine, which is neutral and non-polar, at codon 1592 of the FANCM protein (p.Ser1592Leu). This variant is present in population databases (rs759778560, gnomAD 0.003%). This variant has not been reported in the literature in individuals affected with FANCM-related conditions. ClinVar contains an entry for this variant (Variation ID: 1360766). An algorithm developed to predict the effect of missense changes on protein structure and function (PolyPhen-2) suggests that this variant is likely to be disruptive. Algorithms developed to predict the effect of sequence changes on RNA splicing suggest that this variant may disrupt the consensus splice site. In summary, the available evidence is currently insufficient to determine the role of this variant in disease. Therefore, it has been classified as a Variant of Uncertain Significance.

Ambry Genetics
Classification: Uncertain significance for Inborn genetic diseases. Last evaluated: 2023-01-31. Review status: criteria provided, single submitter. Criteria: Ambry Variant Classification Scheme 2023. Collection method: clinical testing. Allele origin: germline.

NM_020937.4(FANCM):c.4775C>T (p.Ser1592Leu)

Gene: FANCM (FA complementation group M; plus strand). Cytogenetic location: 14q21.2.
Variant type: single nucleotide variant.
Coding change: c.4775C>T on transcript NM_020937.4 (MANE Select); coding-DNA position 4775, C replaced by T.
Protein change: p.Ser1592Leu; replaces serine 1592 with leucine.
Molecular consequence: missense variant.
Genome position (GRCh38, 1-based): chr14:45,187,883, C>T. VCF-style: chr14-45187883-C-T. GRCh37 (hg19) VCF-style: chr14-45657086-C-T.
Other names: c.4775C>T (NM_020937.2); c.4697C>T, p.Ser1566Leu (NM_001308133.2); short protein forms S1566L, S1592L.
Identifiers: ClinVar variation 1360766 (VCV001360766.9), dbSNP rs759778560, ClinGen allele CA7169848.